The following is an entry in ClinVar:

ClinVar aggregate classification (germline): Likely benign. Review status: criteria provided, multiple submitters, no conflicts (2 of 4 stars). 2 submissions from 2 submitters: Likely benign (2). Last evaluated 2025-12-01.

Conditions:
Severe early-onset pulmonary alveolar proteinosis due to MARS deficiency. Also called: PULMONARY ALVEOLAR PROTEINOSIS, REUNION ISLAND; Interstitial lung and liver disease. Identifiers: Orphanet 440427, MedGen C4225400, MONDO:0014206, OMIM 615486.
Charcot-Marie-Tooth disease axonal type 2U. Also called: CHARCOT-MARIE-TOOTH NEUROPATHY, TYPE 2U; CHARCOT-MARIE-TOOTH DISEASE, AXONAL, AUTOSOMAL DOMINANT, TYPE 2U. Identifiers: Orphanet 397735, MedGen C4084821, MONDO:0014566, OMIM 616280.

Allele frequency attached by ClinVar (database versions not stated): ExAC 0.00001; TOPMed 0.00002; gnomAD 0.00001.
gnomAD v4.1: 15 of 1,613,878 alleles (0.00093%); highest among the groups gnomAD compares: Non-Finnish European, 0.0012%; no homozygotes.

Submissions (2):

CeGaT Center for Human Genetics Tuebingen
Classification: Likely benign. Last evaluated: 2025-12-01. Review status: criteria provided, single submitter. Criteria: CeGaT Center For Human Genetics Tuebingen Variant Classification Criteria Version 2. Collection method: clinical testing. Allele origin: germline. Affected: yes. Observed: 1 variant allele.
Comment: MARS1: BP7

Labcorp Genetics (formerly Invitae), Labcorp
Classification: Likely benign for Charcot-Marie-Tooth disease axonal type 2U; Severe early-onset pulmonary alveolar proteinosis due to MARS deficiency. Last evaluated: 2023-10-06. Review status: criteria provided, single submitter. Criteria: Invitae Variant Classification Sherloc (09022015). Collection method: clinical testing. Allele origin: germline.

NM_004990.4(MARS1):c.87C>T (p.Leu29=)

Genes: ARHGAP9 (Rho GTPase activating protein 9; minus strand), MARS1 (methionyl-tRNA synthetase 1; plus strand). Cytogenetic location: 12q13.3.
Variant type: single nucleotide variant.
Coding change: c.87C>T on transcript NM_004990.4 (MANE Select); coding-DNA position 87, C replaced by T.
Protein change: p.Leu29=; no amino-acid change (leucine 29 retained).
Molecular consequence: synonymous variant. On other transcripts: intron variant (1).
Genome position (GRCh38, 1-based): chr12:57,488,177, C>T. VCF-style: chr12-57488177-C-T. GRCh37 (hg19) VCF-style: chr12-57881960-C-T.
Other names: c.-204+435G>A (NM_001319850.2).
Identifiers: ClinVar variation 1681671 (VCV001681671.15), dbSNP rs755807464, ClinGen allele CA6650016.